The following is an entry in ClinVar:

ClinVar aggregate classification (germline): Uncertain significance (1 of 4 stars; one submission).

Conditions:
Hereditary cancer-predisposing syndrome. Also called: Hereditary Cancer Syndrome; Tumor predisposition; Hereditary neoplastic syndrome; Neoplastic Syndromes, Hereditary. Identifiers: Orphanet 140162, MedGen C0027672, MeSH D009386, MONDO:0015356.

gnomAD v4.1: 1 of 1,613,954 alleles (0.000062%); highest among the groups gnomAD compares: Non-Finnish European, 0.000085%; no homozygotes.

Submission:

Ambry Genetics
Classification: Uncertain significance for Hereditary cancer-predisposing syndrome. Last evaluated: 2024-11-08. Review status: criteria provided, single submitter. Criteria: Ambry Variant Classification Scheme 2023. Collection method: clinical testing. Allele origin: germline.
Comment: The p.L79S variant (also known as c.236T>C), located in coding exon 3 of the MRE11A gene, results from a T to C substitution at nucleotide position 236. The leucine at codon 79 is replaced by serine, an amino acid with dissimilar properties. This amino acid position is conserved. In addition, this alteration is predicted to be deleterious by in silico analysis. Based on the available evidence, the clinical significance of this variant remains unclear.

NM_005591.4(MRE11):c.236T>C (p.Leu79Ser)

Gene: MRE11 (MRE11 double strand break repair nuclease; minus strand). Cytogenetic location: 11q21.
Variant type: single nucleotide variant.
Coding change: c.236T>C on transcript NM_005591.4 (MANE Select); coding-DNA position 236, T replaced by C.
Protein change: p.Leu79Ser; replaces leucine 79 with serine.
Molecular consequence: missense variant.
Genome position (GRCh38, 1-based): chr11:94,486,002, A>G on the plus strand (T>C on the coding strand, the complement: MRE11 is on the minus strand). VCF-style: chr11-94486002-A-G. GRCh37 (hg19) VCF-style: chr11-94219168-A-G.
Other names: c.236T>C, p.Leu79Ser (NM_001330347.2, NM_005590.4); short protein forms L79S.
Identifiers: ClinVar variation 3397884 (VCV003397884.1).